The following is an entry in ClinVar:

ClinVar aggregate classification (germline): Pathogenic (1 of 4 stars; one submission).

Conditions:
Bloom syndrome (BLM). Also called: Bloom-Torre-Machacek syndrome. Identifiers: Orphanet 125, MedGen C0005859, MONDO:0008876, OMIM 210900.

Submission:

Labcorp Genetics (formerly Invitae), Labcorp
Classification: Pathogenic for Bloom syndrome. Last evaluated: 2019-03-19. Review status: criteria provided, single submitter. Criteria: Invitae Variant Classification Sherloc (09022015). Collection method: clinical testing. Allele origin: germline.
Comment: For these reasons, this variant has been classified as Pathogenic. Loss-of-function variants in BLM are known to be pathogenic (PMID: 17407155). This variant has not been reported in the literature in individuals with BLM-related disease. This variant is a gross deletion of the genomic region encompassing exons 2-4 of the BLM gene, which includes the initiator codon. The 5' end of this event is unknown as it extends beyond the assayed region for this gene and therefore may encompass additional genes. The 3' boundary is likely confined to intron 4 of the BLM gene. This is expected to result in an absent or disrupted protein product.

Literature cited by the submitters: PubMed 17407155.

NC_000015.10:g.(?_90747383)_(90751956_?)del

Gene: BLM (BLM RecQ like helicase; plus strand). Cytogenetic location: 15q26.1.
Variant type: Deletion.
Identifiers: ClinVar variation 658981 (VCV000658981.7).